The following is an entry in ClinVar:

NM_002080.4(GOT2):c.662C>T (p.Pro221Leu)

Genes: GOT2 (glutamic-oxaloacetic transaminase 2; minus strand), LOC126862363 (BRD4-independent group 4 enhancer GRCh37_chr16:58751959-58753158; plus strand). Cytogenetic location: 16q21.
Variant type: single nucleotide variant.
Coding change: c.662C>T on transcript NM_002080.4 (MANE Select); coding-DNA position 662, C replaced by T.
Protein change: p.Pro221Leu; replaces proline 221 with leucine.
Molecular consequence: missense variant.
Genome position (GRCh38, 1-based): chr16:58,718,236, G>A on the plus strand (C>T on the coding strand, the complement: GOT2 is on the minus strand). VCF-style: chr16-58718236-G-A. GRCh37 (hg19) VCF-style: chr16-58752140-G-A.
Other names: c.533C>T, p.Pro178Leu (NM_001286220.2); short protein forms P178L, P221L.
Identifiers: ClinVar variation 1370391 (VCV001370391.7), dbSNP rs2044711052, ClinGen allele CA396166040.

ClinVar aggregate classification (germline): Uncertain significance (1 of 4 stars; one submission).

Submission:

Labcorp Genetics (formerly Invitae), Labcorp
Classification: Uncertain significance. Last evaluated: 2021-09-18. Review status: criteria provided, single submitter. Criteria: Invitae Variant Classification Sherloc (09022015). Collection method: clinical testing. Allele origin: germline.
Comment: This sequence change replaces proline with leucine at codon 221 of the GOT2 protein (p.Pro221Leu). The proline residue is highly conserved and there is a moderate physicochemical difference between proline and leucine. In summary, the available evidence is currently insufficient to determine the role of this variant in disease. Therefore, it has been classified as a Variant of Uncertain Significance. Algorithms developed to predict the effect of missense changes on protein structure and function are either unavailable or do not agree on the potential impact of this missense change (SIFT: "Tolerated"; PolyPhen-2: "Possibly Damaging"; Align-GVGD: "Class C0"). This variant has not been reported in the literature in individuals affected with GOT2-related conditions. This variant is not present in population databases (ExAC no frequency).